The following is an entry in ClinVar:

ClinVar aggregate classification (germline): Uncertain significance (1 of 4 stars; one submission).

Conditions:
Neuropathy, hereditary sensory and autonomic, type 2A (HSAN2A). Also called: HSAN IIA; WNK1-Related HSAN2 (HSAN2A); ACROOSTEOLYSIS, GIACCAI TYPE; ACROOSTEOLYSIS, NEUROGENIC; MORVAN DISEASE; NEUROPATHY, CONGENITAL SENSORY. Identifiers: Orphanet 970, MedGen C2752089, MONDO:0024309, OMIM 201300.
Pseudohypoaldosteronism type 2C (PHA2C). Also called: Pseudohypoaldosteronism Type IIC. Identifiers: Orphanet 757, Orphanet 88940, MedGen C1840391, MONDO:0013778, OMIM 614492.

Allele frequency attached by ClinVar (database versions not stated): gnomAD 0.00001; gnomAD exomes 0.00001; TOPMed 0.00002.
gnomAD v4.1: 7 of 1,613,762 alleles (0.00043%); highest among the groups gnomAD compares: Admixed American, 0.0067%; no homozygotes.

Submission:

Labcorp Genetics (formerly Invitae), Labcorp
Classification: Uncertain significance for Neuropathy, hereditary sensory and autonomic, type 2A; Pseudohypoaldosteronism type 2C. Last evaluated: 2023-04-25. Review status: criteria provided, single submitter. Criteria: Invitae Variant Classification Sherloc (09022015). Collection method: clinical testing. Allele origin: germline.
Comment: Advanced modeling of protein sequence and biophysical properties (such as structural, functional, and spatial information, amino acid conservation, physicochemical variation, residue mobility, and thermodynamic stability) performed at Invitae indicates that this missense variant is not expected to disrupt WNK1 protein function. This variant has not been reported in the literature in individuals affected with WNK1-related conditions. This variant is present in population databases (no rsID available, gnomAD 0.006%). This sequence change replaces phenylalanine, which is neutral and non-polar, with cysteine, which is neutral and slightly polar, at codon 1027 of the WNK1 protein (p.Phe1027Cys). In summary, the available evidence is currently insufficient to determine the role of this variant in disease. Therefore, it has been classified as a Variant of Uncertain Significance.

NM_213655.5(WNK1):c.3080T>G (p.Phe1027Cys)

Gene: WNK1 (WNK lysine deficient protein kinase 1; plus strand). Cytogenetic location: 12p13.33.
Variant type: single nucleotide variant.
Coding change: c.3080T>G on transcript NM_213655.5 (MANE Plus Clinical); coding-DNA position 3080, T replaced by G.
Protein change: p.Phe1027Cys; replaces phenylalanine 1027 with cysteine.
Molecular consequence: missense variant. On other transcripts: intron variant (2).
Genome position (GRCh38, 1-based): chr12:868,551, T>G. VCF-style: chr12-868551-T-G. GRCh37 (hg19) VCF-style: chr12-977717-T-G.
Other names: c.2825T>G, p.Phe942Cys (NM_001184985.2); c.2140-2714T>G (NM_018979.4, NM_014823.3); short protein forms F942C, F1027C.
Identifiers: ClinVar variation 2927071 (VCV002927071.3), dbSNP rs1195801139, ClinGen allele CA383340238.
Genomic context (GRCh38, chr12:868,551, plus strand): 5'-CGGGATCTCCCCTCTCTAGTATTTCTGCACCTATCAGTACAGATGCTACACGTTTGAAAT[T>G]TCACCCTGTCTTTGTTCCTCATTCTGCGCCTGCTGTGTTAACTCATAACAATGAGAGCAG-3'
Protein context (NP_998820.3, residues 1017-1037): PISTDATRLK[Phe1027Cys]HPVFVPHSAP